The following is an entry in ClinVar:

NM_001018116.2(CAVIN4):c.464A>G (p.Glu155Gly)

Gene: CAVIN4 (caveolae associated protein 4; plus strand). Cytogenetic location: 9q31.1.
Variant type: single nucleotide variant.
Coding change: c.464A>G on transcript NM_001018116.2 (MANE Select); coding-DNA position 464, A replaced by G.
Protein change: p.Glu155Gly; replaces glutamic acid 155 with glycine.
Molecular consequence: missense variant.
Genome position (GRCh38, 1-based): chr9:100,585,820, A>G. VCF-style: chr9-100585820-A-G. GRCh37 (hg19) VCF-style: chr9-103348102-A-G.
Other names: c.464A>G, p.Glu155Gly (LRG_760t1); short protein forms E155G.
Identifiers: ClinVar variation 429269 (VCV000429269.2), dbSNP rs925977838, ClinGen allele CA196940826.

ClinVar aggregate classification (germline): Uncertain significance (1 of 4 stars; one submission).

Allele frequency attached by ClinVar (database versions not stated): gnomAD 0.00001; gnomAD exomes 0.00001; TOPMed 0.00001.
gnomAD v4.1: 16 of 1,614,056 alleles (0.00099%); highest among the groups gnomAD compares: Non-Finnish European, 0.0014%; no homozygotes.

Submission:

GeneDx
Classification: Uncertain significance. Last evaluated: 2017-05-04. Review status: criteria provided, single submitter. Criteria: GeneDx Variant Classification (06012015). Collection method: clinical testing. Allele origin: germline. Affected: yes.
Comment: A variant of uncertain significance has been identified in the MURC gene. The E155G variant has not been published as pathogenic or been reported as benign to our knowledge. This variant is not observed in large population cohorts (Lek et al., 2016; 1000 Genomes Consortium et al., 2015; Exome Variant Server). The E155G variant is a non-conservative amino acid substitution, which is likely to impact secondary protein structure as these residues differ in polarity, charge, size and/or other properties. However, this substitution occurs at a position that is not conserved across species and where glycine is present as the wild type in at least two species. Finally, in silico analysis suggests that this variant likely does not alter the protein structure/function.